The following is an entry in ClinVar:

ClinVar aggregate classification (germline): Uncertain significance (1 of 4 stars; one submission).

Submission:

CeGaT Center for Human Genetics Tuebingen
Classification: Uncertain significance. Last evaluated: 2024-08-01. Review status: criteria provided, single submitter. Criteria: CeGaT Center For Human Genetics Tuebingen Variant Classification Criteria Version 2. Collection method: clinical testing. Allele origin: germline. Affected: yes. Observed: 1 variant allele.
Comment: RPGR: PM2, BP5

NM_001034853.2(RPGR):c.623A>G (p.Asp208Gly)

Gene: RPGR (retinitis pigmentosa GTPase regulator; minus strand). Cytogenetic location: Xp11.4.
Variant type: single nucleotide variant.
Coding change: c.623A>G on transcript NM_001034853.2 (MANE Select); coding-DNA position 623, A replaced by G.
Protein change: p.Asp208Gly; replaces aspartic acid 208 with glycine.
Molecular consequence: missense variant. On other transcripts: non-coding transcript variant (6).
Genome position (GRCh38, 1-based): chrX:38,310,770, T>C on the plus strand (A>G on the coding strand, the complement: RPGR is on the minus strand). VCF-style: chrX-38310770-T-C. GRCh37 (hg19) VCF-style: chrX-38170023-T-C.
Other names: c.623A>G, p.Asp208Gly (NM_000328.3, NM_001367246.1, NM_001367247.1 and 1 more transcripts); c.620A>G, p.Asn207Ser (NM_001367245.1, NM_001367250.1); c.653A>G, p.Asp218Gly (NM_001367248.1); c.620A>G, p.Asp207Gly (NM_001367249.1); short protein forms D207G, D208G, D218G, N207S.
Identifiers: ClinVar variation 3341977 (VCV003341977.16).